The following is an entry in ClinVar:

ClinVar aggregate classification (germline): Likely benign. Review status: criteria provided, multiple submitters, no conflicts (2 of 4 stars). 3 submissions from 3 submitters: Likely benign (3). Last evaluated 2025-05-28.

Conditions:
Meckel-Gruber syndrome. Also called: DYSENCEPHALIA SPLANCHNOCYSTICA; GRUBER SYNDROME; Dysencephalia splachnocystica. Identifiers: Orphanet 564, MedGen C0265215, MONDO:0018921.
Joubert syndrome. Also called: JOUBERT-BOLTSHAUSER SYNDROME; Familial aplasia of the vermis. Identifiers: Orphanet 475, MedGen C5979921, MONDO:0018772.
TMEM67-related disorder. Also called: TMEM67-related disorders; TMEM67-related condition. Identifiers: MedGen CN239423.

Allele frequency attached by ClinVar (database versions not stated): gnomAD 0.00001; TOPMed 0.00001; ExAC 0.00002; gnomAD exomes 0.00002.
gnomAD v4.1: 33 of 1,613,066 alleles (0.002%); highest among the groups gnomAD compares: Non-Finnish European, 0.0028%; no homozygotes.

Submissions (3):

PreventionGenetics, part of Exact Sciences
Classification: Likely benign for TMEM67-related condition. Last evaluated: 2025-05-28. Review status: criteria provided, single submitter. Criteria: ACMG Guidelines, 2015. Collection method: clinical testing. Allele origin: germline.
Comment: This variant is classified as likely benign based on ACMG/AMP sequence variant interpretation guidelines (Richards et al. 2015 PMID: 25741868, with internal and published modifications).

Labcorp Genetics (formerly Invitae), Labcorp
Classification: Likely benign for Joubert syndrome; Meckel-Gruber syndrome. Last evaluated: 2025-04-30. Review status: criteria provided, single submitter. Criteria: Invitae Variant Classification Sherloc (09022015). Collection method: clinical testing. Allele origin: germline.

Blueprint Genetics
Classification: Likely benign. Last evaluated: 2022-03-28. Review status: criteria provided, single submitter. Criteria: ACMG Guidelines, 2015. Collection method: clinical testing. Allele origin: germline.

NM_153704.6(TMEM67):c.1104T>C (p.Tyr368=)

Gene: TMEM67 (transmembrane protein 67; plus strand). Cytogenetic location: 8q22.1.
Variant type: single nucleotide variant.
Coding change: c.1104T>C on transcript NM_153704.6 (MANE Select); coding-DNA position 1104, T replaced by C.
Protein change: p.Tyr368=; no amino-acid change (tyrosine 368 retained).
Molecular consequence: synonymous variant. On other transcripts: non-coding transcript variant (1).
Genome position (GRCh38, 1-based): chr8:93,782,433, T>C. VCF-style: chr8-93782433-T-C. GRCh37 (hg19) VCF-style: chr8-94794661-T-C.
Other names: c.861T>C, p.Tyr287= (NM_001142301.1).
Identifiers: ClinVar variation 2193504 (VCV002193504.6), dbSNP rs780053133, ClinGen allele CA4807876.
Genomic context (GRCh38, chr8:93,782,433, plus strand): 5'-CTGTTGTATTATTTTGCTGCAGCTTTGTCCAGACACAGAGACAAGGCTAAATGCTGCTTA[T>C]TCATTTGGAACAACCTACCAACAAAATGTAAGTTTGAACGATATTAGTCTATATTTTAGC-3'
Protein context (NP_714915.3, residues 358-378): PDTETRLNAA[Tyr368=]SFGTTYQQNC